The following is an entry in ClinVar:

ClinVar aggregate classification (germline): Likely pathogenic (1 of 4 stars; one submission).

Conditions:
Coffin-Siris syndrome 1 (CSS1). Also called: ARID1B-Related Coffin-Siris Syndrome; Mental retardation, autosomal dominant 12. Identifiers: Orphanet 1465, MedGen C3281201, MONDO:0007617, OMIM 135900. Disease mechanism: gain of function.

Submission:

3billion
Classification: Likely pathogenic for Coffin-Siris syndrome 1. Last evaluated: 2023-06-21. Review status: criteria provided, single submitter. Criteria: ACMG Guidelines, 2015. Collection method: clinical testing. Allele origin: germline. Affected: yes.
Comment: The variant is not observed in the gnomAD v2.1.1 dataset. Predicted Consequence/Location: Frameshift: predicted to result in a loss or disruption of normal protein function through nonsense-mediated decay (NMD) or protein truncation. Multiple pathogenic variants are reported downstream of the variant. Therefore, this variant is classified as Likely pathogenic according to the recommendation of ACMG/AMP guideline.

NM_001374828.1(ARID1B):c.1616_1640del (p.Gln539fs)

Gene: ARID1B (AT-rich interaction domain 1B; plus strand). Cytogenetic location: 6q25.3.
Variant type: Deletion.
Coding change: c.1616_1640del on transcript NM_001374828.1 (MANE Select); coding-DNA positions 1616 to 1640, 25 bases deleted (AGGCGGCGGCGGCGGGGGCGGCGGC).
Protein change: p.Gln539fs; shifts the reading frame from glutamine 539.
Molecular consequence: frameshift variant.
Genome position (GRCh38, 1-based): chr6:156,779,296-156,779,320, AGGCGGCGGCGGCGGGGGCGGCGGC deleted; deleting any 25 consecutive bases within chr6:156,779,295-156,779,320 gives the same sequence; the c. name uses the placement nearest the transcript's 3' end. VCF-style (leftmost placement, unchanged base first): chr6-156779294-CCAGGCGGCGGCGGCGGGGGCGGCGG-C. GRCh37 (hg19) VCF-style: chr6-157100428-CCAGGCGGCGGCGGCGGGGGCGGCGG-C.
Other names: c.1616_1640del, p.Gln539fs (NM_001371656.1, NM_001374820.1, NM_017519.3); short protein forms Q539fs.
Identifiers: ClinVar variation 3775986 (VCV003775986.1).
Genomic context (GRCh38, chr6:156,779,294, plus strand): 5'-CAGCTACCCCGAGTACAGCAGCCCCAGCGCGCCGCCGCCGCCGCCGTCGCAGCCCCAGTC[CCAGGCGGCGGCGGCGGGGGCGGCGG>C]CGGGCGGCCAGCAGGCGGCCGCGGGCATGGGCTTGGGCAAGGACATGGGCGCCCAGTACG-3'